The following is an entry in ClinVar:

ClinVar aggregate classification (germline): Uncertain significance (1 of 4 stars; one submission).

Submission:

Labcorp Genetics (formerly Invitae), Labcorp
Classification: Uncertain significance. Last evaluated: 2023-01-06. Review status: criteria provided, single submitter. Criteria: Invitae Variant Classification Sherloc (09022015). Collection method: clinical testing. Allele origin: germline.
Comment: In summary, the available evidence is currently insufficient to determine the role of this variant in disease. Therefore, it has been classified as a Variant of Uncertain Significance. This sequence change replaces isoleucine, which is neutral and non-polar, with valine, which is neutral and non-polar, at codon 798 of the LRP6 protein (p.Ile798Val). This variant is not present in population databases (gnomAD no frequency). This variant has not been reported in the literature in individuals affected with LRP6-related conditions. Advanced modeling of protein sequence and biophysical properties (such as structural, functional, and spatial information, amino acid conservation, physicochemical variation, residue mobility, and thermodynamic stability) performed at Invitae indicates that this missense variant is not expected to disrupt LRP6 protein function.

NM_002336.3(LRP6):c.2392A>G (p.Ile798Val)

Gene: LRP6 (LDL receptor related protein 6; minus strand). Cytogenetic location: 12p13.2.
Variant type: single nucleotide variant.
Coding change: c.2392A>G on transcript NM_002336.3 (MANE Select); coding-DNA position 2392, A replaced by G.
Protein change: p.Ile798Val; replaces isoleucine 798 with valine.
Molecular consequence: missense variant. On other transcripts: non-coding transcript variant (1).
Genome position (GRCh38, 1-based): chr12:12,159,852, T>C on the plus strand (A>G on the coding strand, the complement: LRP6 is on the minus strand). VCF-style: chr12-12159852-T-C. GRCh37 (hg19) VCF-style: chr12-12312786-T-C.
Other names: c.2392A>G, p.Ile798Val (NM_001414251.1, NM_001414244.1, NM_001414245.1 and 4 more transcripts); c.1939A>G, p.Ile647Val (NM_001414252.1, NM_001414253.1, NM_001414254.1); c.1885A>G, p.Ile629Val (NM_001414255.1); c.2194A>G, p.Ile732Val (NM_001414247.1); short protein forms I629V, I798V, I647V, I732V.
Identifiers: ClinVar variation 2826461 (VCV002826461.3), dbSNP rs2498833423, ClinGen allele CA383944590.